The following is an entry in ClinVar:

NM_001005373.4(LRSAM1):c.1514C>T (p.Ser505Leu)

Gene: LRSAM1 (leucine rich repeat and sterile alpha motif containing 1; plus strand). Cytogenetic location: 9q33.3.
Variant type: single nucleotide variant.
Coding change: c.1514C>T on transcript NM_001005373.4 (MANE Select); coding-DNA position 1514, C replaced by T.
Protein change: p.Ser505Leu; replaces serine 505 with leucine.
Molecular consequence: missense variant. On other transcripts: non-coding transcript variant (2).
Genome position (GRCh38, 1-based): chr9:127,492,812, C>T. VCF-style: chr9-127492812-C-T. GRCh37 (hg19) VCF-style: chr9-130255091-C-T.
Other names: c.1514C>T (NM_138361.4); c.1514C>T, p.Ser505Leu (NM_001005374.4, NM_001384142.1, NM_001384143.1 and 1 more transcripts); c.1433C>T, p.Ser478Leu (NM_001190723.3); c.725C>T, p.Ser242Leu (NM_001384144.1); short protein forms S505L, S478L, S242L.
Identifiers: ClinVar variation 245886 (VCV000245886.15), dbSNP rs146106537, ClinGen allele CA5247037.
Genomic context (GRCh38, chr9:127,492,812, plus strand): 5'-CCTGCGCTGCCGCCAGCTCACGGTGGTGCGGGGTGTGGTCTTGTTCGCAGGAGATGATCT[C>T]GGAGCAGCGCTGGGCCCTCAGCTCCCTGCTCCAGCAGCTGCTCAAAGAGAAGCAGCAGCG-3'
Protein context (NP_001005373.1, residues 495-515): LDTESLQEMI[Ser505Leu]EQRWALSSLL

ClinVar aggregate classification (germline): Conflicting classifications of pathogenicity. Review status: criteria provided, conflicting classifications (1 of 4 stars). 5 submissions from 5 submitters: Uncertain significance (4); Likely benign (1). Last evaluated 2026-07-21.

Conditions:
LRSAM1-related disorder. Also called: LRSAM1-related condition.
Inborn genetic diseases. Identifiers: MedGen C0950123, MeSH D030342.
Charcot-Marie-Tooth disease axonal type 2P. Also called: CHARCOT-MARIE-TOOTH DISEASE, AXONAL, TYPE 2G; CMT 2G; CHARCOT-MARIE-TOOTH NEUROPATHY, TYPE 2P; Charcot-Marie-Tooth Neuropathy Type 2G. Identifiers: Orphanet 300319, Orphanet 99941, MedGen C3280797, MONDO:0013753, OMIM 614436.

Allele frequency attached by ClinVar (database versions not stated): gnomAD 0.00004; ExAC 0.00005; gnomAD exomes 0.00006 and 0.00007; TOPMed 0.00006; ESP Exome Variant Server 0.00008.
gnomAD v4.1: 95 of 1,613,628 alleles (0.0059%); highest among the groups gnomAD compares: Non-Finnish European, 0.007%; no homozygotes.

Submissions (5):

PreventionGenetics, part of Exact Sciences
Classification: Uncertain significance for LRSAM1-related condition. Last evaluated: 2026-07-21. Review status: criteria provided, single submitter. Criteria: ACMG Guidelines, 2015. Collection method: clinical testing. Allele origin: germline.
Comment: The LRSAM1 c.1514C>T variant is predicted to result in the amino acid substitution p.Ser505Leu. To our knowledge, this variant has not been reported in the literature. This variant is reported in 0.012% of alleles in individuals of European (Non-Finnish) descent in gnomAD. At this time, the clinical significance of this variant is uncertain due to the absence of conclusive functional and genetic evidence.

Ambry Genetics
Classification: Uncertain significance for Inborn genetic diseases. Last evaluated: 2025-02-08. Review status: criteria provided, single submitter. Criteria: Ambry Variant Classification Scheme 2023. Collection method: clinical testing. Allele origin: germline.

Labcorp Genetics (formerly Invitae), Labcorp
Classification: Uncertain significance for Charcot-Marie-Tooth disease axonal type 2P. Last evaluated: 2025-01-23. Review status: criteria provided, single submitter. Criteria: Invitae Variant Classification Sherloc (09022015). Collection method: clinical testing. Allele origin: germline.
Comment: This sequence change replaces serine, which is neutral and polar, with leucine, which is neutral and non-polar, at codon 505 of the LRSAM1 protein (p.Ser505Leu). This variant is present in population databases (rs146106537, gnomAD 0.01%). This variant has not been reported in the literature in individuals affected with LRSAM1-related conditions. ClinVar contains an entry for this variant (Variation ID: 245886). Invitae Evidence Modeling of protein sequence and biophysical properties (such as structural, functional, and spatial information, amino acid conservation, physicochemical variation, residue mobility, and thermodynamic stability) indicates that this missense variant is not expected to disrupt LRSAM1 protein function with a negative predictive value of 80%. In summary, the available evidence is currently insufficient to determine the role of this variant in disease. Therefore, it has been classified as a Variant of Uncertain Significance.

ARUP Laboratories, Molecular Genetics and Genomics, ARUP Laboratories
Classification: Uncertain significance for Charcot-Marie-Tooth disease axonal type 2P. Last evaluated: 2024-05-30. Review status: criteria provided, single submitter. Criteria: ARUP Molecular Germline Variant Investigation Process 2024. Collection method: clinical testing. Allele origin: germline.
Comment: The LRSAM1 c.1514C>T; p.Ser505Leu variant (rs146106537), to our knowledge, is not reported in the medical literature but is reported in ClinVar (Variation ID: 245886). This variant is found in the general population with an overall allele frequency of 0.007% (17/250,412 alleles) in the Genome Aggregation Database (v2.1.1). Computational analyses predict that this variant is neutral (REVEL: 0.093). However, given the lack of clinical and functional data, the significance of this variant is uncertain at this time.

GeneDx
Classification: Likely benign. Last evaluated: 2019-01-07. Review status: criteria provided, single submitter. Criteria: GeneDx Variant Classification Process June 2021. Collection method: clinical testing. Allele origin: germline. Affected: yes.